The following is an entry in ClinVar:

NC_000002.11:g.(?_15601305)_(17362569_?)dup

Genes: CYRIA (CYFIP related Rac1 interactor A; minus strand), DDX1 (DEAD-box helicase 1; plus strand), MYCN (MYCN proto-oncogene, bHLH transcription factor; plus strand), MYCNOS (MYCN opposite strand; minus strand), NBAS (NBAS subunit of NRZ tethering complex; minus strand). Cytogenetic location: 2p24.3-24.2.
Variant type: Duplication.
Identifiers: ClinVar variation 3247566 (VCV003247566.1).

ClinVar aggregate classification (germline): Uncertain significance (1 of 4 stars; one submission).

Submission:

Labcorp Genetics (formerly Invitae), Labcorp
Classification: Uncertain significance. Last evaluated: 2023-04-26. Review status: criteria provided, single submitter. Criteria: Invitae Variant Classification Sherloc (09022015). Collection method: clinical testing. Allele origin: unknown.
Comment: In summary, the available evidence is currently insufficient to determine the role of this variant in disease. Therefore, it has been classified as a Variant of Uncertain Significance. This variant has not been reported in the literature in individuals affected with NBAS-related conditions. This variant results in a copy number gain of the genomic region encompassing exon(s) 1-21 of the NBAS gene. This region includes the initiator codon of the gene. This copy number gain extends beyond the assayed region for this gene and therefore may encompass additional genes. As the precise location of this event is unknown, it may be in tandem or it may be located elsewhere in the genome.